The following is an entry in ClinVar:

ClinVar aggregate classification (germline): Uncertain significance (1 of 4 stars; one submission).

Conditions:
Inborn genetic diseases. Identifiers: MedGen C0950123, MeSH D030342.

Submission:

Ambry Genetics
Classification: Uncertain significance for Inborn genetic diseases. Last evaluated: 2021-06-15. Review status: criteria provided, single submitter. Criteria: Ambry Variant Classification Scheme 2023. Collection method: clinical testing. Allele origin: germline.
Comment: The p.D286E variant (also known as c.858C>G), located in coding exon 4 of the ATR gene, results from a C to G substitution at nucleotide position 858. The aspartic acid at codon 286 is replaced by glutamic acid, an amino acid with highly similar properties. This amino acid position is conserved. In addition, this alteration is predicted to be tolerated by in silico analysis. Since supporting evidence is limited at this time, the clinical significance of this alteration remains unclear.

NM_001184.4(ATR):c.858C>G (p.Asp286Glu)

Gene: ATR (ATR checkpoint kinase; minus strand). Cytogenetic location: 3q23.
Variant type: single nucleotide variant.
Coding change: c.858C>G on transcript NM_001184.4 (MANE Select); coding-DNA position 858, C replaced by G.
Protein change: p.Asp286Glu; replaces aspartic acid 286 with glutamic acid.
Molecular consequence: missense variant.
Genome position (GRCh38, 1-based): chr3:142,562,544, G>C on the plus strand (C>G on the coding strand, the complement: ATR is on the minus strand). VCF-style: chr3-142562544-G-C. GRCh37 (hg19) VCF-style: chr3-142281386-G-C.
Other names: c.858C>G, p.Asp286Glu (NM_001354579.2); short protein forms D286E.
Identifiers: ClinVar variation 1763936 (VCV001763936.2), dbSNP rs770990791, ClinGen allele CA354825197.